The following is an entry in ClinVar:

NM_020719.3(PRR12):c.2405T>A (p.Leu802His)

Gene: PRR12 (proline rich 12; plus strand). Cytogenetic location: 19q13.33.
Variant type: single nucleotide variant.
Coding change: c.2405T>A on transcript NM_020719.3 (MANE Select); coding-DNA position 2405, T replaced by A.
Protein change: p.Leu802His; replaces leucine 802 with histidine.
Molecular consequence: missense variant.
Genome position (GRCh38, 1-based): chr19:49,596,740, T>A. VCF-style: chr19-49596740-T-A. GRCh37 (hg19) VCF-style: chr19-50099997-T-A.
Other names: c.2405T>A (NM_020719.2, NM_020719.1); short protein forms L802H.
Identifiers: ClinVar variation 2689832 (VCV002689832.4), dbSNP rs1426875771, ClinGen allele CA406874108.

ClinVar aggregate classification (germline): Uncertain significance. Review status: criteria provided, multiple submitters, no conflicts (2 of 4 stars). 3 submissions from 3 submitters: Uncertain significance (2). 1 of the submissions does not count toward it. Last evaluated 2026-07-03.

Conditions:
Inborn genetic diseases. Identifiers: MedGen C0950123, MeSH D030342.
PRR12-related disorder. Also called: PRR12-related condition.
Neuroocular syndrome 1 (NOC1). Identifiers: Orphanet 659904, MedGen C5925133, MONDO:0971007, OMIM 619539.

Allele frequency attached by ClinVar (database versions not stated): TOPMed 0.00001.
gnomAD v4.1: 1 of 1,594,004 alleles (0.000063%); highest among the groups gnomAD compares: East Asian, 0.0022%; no homozygotes.

Submissions (3):

Ambry Genetics
Classification: Uncertain significance for Inborn genetic diseases. Last evaluated: 2026-07-03. Review status: criteria provided, single submitter. Criteria: Ambry Variant Classification Scheme 2023. Collection method: clinical testing. Allele origin: germline.

Revvity Omics, Revvity
Classification: Uncertain significance for Neuroocular syndrome 1. Last evaluated: 2023-02-01. Review status: criteria provided, single submitter. Criteria: ACMG Guidelines, 2015. Collection method: clinical testing. Allele origin: germline.

PreventionGenetics, part of Exact Sciences
Classification: Uncertain significance for PRR12-related condition. Last evaluated: 2024-04-24. Review status: no assertion criteria provided. Collection method: clinical testing. Allele origin: germline. Not counted in ClinVar's aggregate classification.
Comment: The PRR12 c.2405T>A variant is predicted to result in the amino acid substitution p.Leu802His. To our knowledge, this variant has not been reported in the literature or in a large population database, indicating this variant is rare. At this time, the clinical significance of this variant is uncertain due to the absence of conclusive functional and genetic evidence.